The following is an entry in ClinVar:

ClinVar aggregate classification (germline): Uncertain significance. Review status: criteria provided, multiple submitters, no conflicts (2 of 4 stars). 2 submissions from 2 submitters: Uncertain significance (2). Last evaluated 2024-07-20.

Conditions:
Hypertrophic cardiomyopathy. Also called: HYPERTROPHIC MYOCARDIOPATHY. Identifiers: Orphanet 217569, MedGen C0007194, MeSH D002312, MONDO:0005045, HP:0001639.
Cardiomyopathy (CMYO). Also called: Cardiomyopathies. Identifiers: Orphanet 167848, MedGen C0878544, MONDO:0004994, HP:0001638. Inheritance: Various modes of inheritance.

Allele frequency attached by ClinVar (database versions not stated): gnomAD exomes below 0.00001; TOPMed below 0.00001; gnomAD 0.00001; ExAC 0.00002.
gnomAD v4.1: 4 of 1,613,984 alleles (0.00025%); highest among the groups gnomAD compares: East Asian, 0.0045%; no homozygotes.

Submissions (2):

All of Us Research Program, National Institutes of Health
Classification: Uncertain significance for Hypertrophic cardiomyopathy. Last evaluated: 2024-07-20. Review status: criteria provided, single submitter. Criteria: ACMG Guidelines, 2015. Collection method: clinical testing. Allele origin: germline. Inheritance: Autosomal dominant inheritance. Observed: 2 variant alleles, 2 heterozygotes.
Comment: This missense variant replaces tyrosine with cysteine at codon 180 of the PRKAG2 protein. Computational prediction is inconclusive regarding the impact of this variant on protein structure and function (internally defined REVEL score threshold 0.5 < inconclusive < 0.7, PMID: 27666373). To our knowledge, functional studies have not been reported for this variant. This variant has not been reported in individuals affected with PRKAG2-related disorders in the literature. This variant has been identified in 4/251486 chromosomes in the general population by the Genome Aggregation Database (gnomAD). The available evidence is insufficient to determine the role of this variant in disease conclusively. Therefore, this variant is classified as a Variant of Uncertain Significance.

This study involves interpretation of variants in research participants for the purpose of population health screening. Participant phenotype was not available at the time of variant classification. Additional details can be found in publication PMID: 35346344, PMCID: PMC8962531

Color Diagnostics, LLC DBA Color Health
Classification: Uncertain significance for Cardiomyopathy. Last evaluated: 2024-03-06. Review status: criteria provided, single submitter. Criteria: ACMG Guidelines, 2015. Collection method: clinical testing. Allele origin: germline.
Comment: This missense variant replaces tyrosine with cysteine at codon 180 of the PRKAG2 protein. Computational prediction is inconclusive regarding the impact of this variant on protein structure and function. To our knowledge, functional studies have not been reported for this variant. This variant has not been reported in individuals affected with PRKAG2-related disorders in the literature. This variant has been identified in 4/251486 chromosomes in the general population by the Genome Aggregation Database (gnomAD). The available evidence is insufficient to determine the role of this variant in disease conclusively. Therefore, this variant is classified as a Variant of Uncertain Significance.

NM_016203.4(PRKAG2):c.539A>G (p.Tyr180Cys)

Gene: PRKAG2 (protein kinase AMP-activated non-catalytic subunit gamma 2; minus strand). Cytogenetic location: 7q36.1.
Variant type: single nucleotide variant.
Coding change: c.539A>G on transcript NM_016203.4 (MANE Select); coding-DNA position 539, A replaced by G.
Protein change: p.Tyr180Cys; replaces tyrosine 180 with cysteine.
Molecular consequence: missense variant. On other transcripts: intron variant (5).
Genome position (GRCh38, 1-based): chr7:151,675,565, T>C on the plus strand (A>G on the coding strand, the complement: PRKAG2 is on the minus strand). VCF-style: chr7-151675565-T-C. GRCh37 (hg19) VCF-style: chr7-151372651-T-C.
Other names: c.407A>G, p.Tyr136Cys (NM_001407024.1, NM_001407026.1, NM_001407027.1 and 1 more transcripts); c.167A>G, p.Tyr56Cys (NM_001407028.1, NM_001407029.1, NM_001304527.2 and 1 more transcripts); c.221A>G, p.Tyr74Cys (NM_001407032.1); c.467-80114A>G (NM_001407031.1); c.467-80111A>G (NM_001407030.1); c.361-43427A>G (NM_001407033.1); c.94+60335A>G (NM_001407037.1); c.13-43427A>G (NM_001407038.1); and 1 more; short protein forms Y136C, Y180C, Y56C, Y74C.
Identifiers: ClinVar variation 3073465 (VCV003073465.3), dbSNP rs775264059, ClinGen allele CA057455.